The following is an entry in ClinVar:

ClinVar aggregate classification (germline): Likely pathogenic (1 of 4 stars; one submission).

Conditions:
Microcephaly 5, primary, autosomal recessive (MCPH5). Also called: ASPM Primary Microcephaly. Identifiers: Orphanet 2512, MedGen C1837501, MONDO:0012106, OMIM 608716.

Submission:

Neuberg Centre For Genomic Medicine, NCGM
Classification: Likely pathogenic for Microcephaly 5, primary, autosomal recessive. Review status: criteria provided, single submitter. Criteria: ACMG Guidelines, 2015. Collection method: clinical testing. Allele origin: germline. Inheritance: Autosomal recessive inheritance. Affected: yes.
Comment: The frame shift (c.326dup) variant has not been reported previously as a pathogenic variant nor as a benign variant, to our knowledge. The p.Asn109LysfsTer20 variant is novel (not in any individuals) in gnomAD Exomes and 1000 Genomes. This variant has not been reported to the ClinVar database. This variant causes a frameshift starting with codon Asparagine 109, changes this amino acid to Lysine residue, and creates a premature Stop codon at position 20 of the new reading frame, denoted p.Asn109LysfsTer20. This variant is predicted to cause loss of normal protein function through protein truncation. Loss of function variants have been previously reported to be disease causing. For these reasons, this variant has been classified as Likely Pathogenic.

NM_018136.5(ASPM):c.326dup (p.Asn109fs)

Gene: ASPM (assembly factor for spindle microtubules; minus strand). Cytogenetic location: 1q31.3.
Variant type: Duplication.
Coding change: c.326dup on transcript NM_018136.5 (MANE Select); coding-DNA position 326, one base duplicated (A; older notation c.326dupA).
Protein change: p.Asn109fs; shifts the reading frame from asparagine 109.
Molecular consequence: frameshift variant.
Genome position (GRCh38, 1-based): chr1:197,144,072, T duplicated on the plus strand (A on the coding strand, the reverse complement: ASPM is on the minus strand); the first of 2 consecutive T bases (chr1:197,144,072-197,144,073); duplicating either gives the same sequence. VCF-style (leftmost placement, unchanged base first): chr1-197144071-G-GT. GRCh37 (hg19) VCF-style: chr1-197113201-G-GT.
Other names: c.326dup, p.Asn109fs (NM_001206846.2); short protein forms N109fs.
Identifiers: ClinVar variation 2585578 (VCV002585578.1), dbSNP rs2527407498, ClinGen allele CA2582342429.
Genomic context (GRCh38, chr1:197,144,071, plus strand): 5'-AACATCATTTACAAGAAATGTCATAATCTCTCTTACTCGGCCTTCTTTGAGTGGTGTCCA[G>GT]TTAACAGAAATAACAATTTTCTCTTTAGGCTATAATCAAAACAATACATTATATAATTAC-3'